The following is an entry in ClinVar:

ClinVar aggregate classification (germline): Uncertain significance (1 of 4 stars; one submission).

gnomAD v4.1: 19 of 1,610,756 alleles (0.0012%); highest among the groups gnomAD compares: Non-Finnish European, 0.0016%; no homozygotes.

Submission:

Labcorp Genetics (formerly Invitae), Labcorp
Classification: Uncertain significance. Last evaluated: 2024-10-23. Review status: criteria provided, single submitter. Criteria: Invitae Variant Classification Sherloc (09022015). Collection method: clinical testing. Allele origin: germline.
Comment: This sequence change replaces glycine, which is neutral and non-polar, with glutamic acid, which is acidic and polar, at codon 860 of the PHIP protein (p.Gly860Glu). This variant is not present in population databases (gnomAD no frequency). This variant has not been reported in the literature in individuals affected with PHIP-related conditions. Invitae Evidence Modeling of protein sequence and biophysical properties (such as structural, functional, and spatial information, amino acid conservation, physicochemical variation, residue mobility, and thermodynamic stability) has been performed for this missense variant. However, the output from this modeling did not meet the statistical confidence thresholds required to predict the impact of this variant on PHIP protein function. In summary, the available evidence is currently insufficient to determine the role of this variant in disease. Therefore, it has been classified as a Variant of Uncertain Significance.

NM_017934.7(PHIP):c.2579G>A (p.Gly860Glu)

Gene: PHIP (PHIP subunit of CUL4-Ring ligase complex; minus strand). Cytogenetic location: 6q14.1.
Variant type: single nucleotide variant.
Coding change: c.2579G>A on transcript NM_017934.7 (MANE Select); coding-DNA position 2579, G replaced by A.
Protein change: p.Gly860Glu; replaces glycine 860 with glutamic acid.
Molecular consequence: missense variant.
Genome position (GRCh38, 1-based): chr6:78,983,076, C>T on the plus strand (G>A on the coding strand, the complement: PHIP is on the minus strand). VCF-style: chr6-78983076-C-T. GRCh37 (hg19) VCF-style: chr6-79692793-C-T.
Other names: short protein forms G860E.
Identifiers: ClinVar variation 2901040 (VCV002901040.3), dbSNP rs2481964166, ClinGen allele CA364650052.
Genomic context (GRCh38, chr6:78,983,076, plus strand): 5'-CTGCTTTCTGCTTTCTTGGTTTTATTCTTAGGAACTTTCTTTGGTGGCTGCAGATTAATT[C>T]CTGCATCTGCTGTCCAGTCAGAGTAATCACTGGAGTAGTCACTAGAAGGAGAGAAGGGAT-3'
Protein context (NP_060404.4, residues 850-870): SDYSDWTADA[Gly860Glu]INLQPPKKVP